The following is an entry in ClinVar:

ClinVar aggregate classification (germline): Uncertain significance (1 of 4 stars; one submission).

Conditions:
TCTN3-related disorder. Also called: TCTN3-related condition.

gnomAD v4.1: 30 of 1,613,984 alleles (0.0019%); highest among the groups gnomAD compares: Non-Finnish European, 0.0023%; no homozygotes.

Submission:

PreventionGenetics, part of Exact Sciences
Classification: Uncertain significance for TCTN3-related condition. Last evaluated: 2026-04-07. Review status: criteria provided, single submitter. Criteria: ACMG Guidelines, 2015. Collection method: clinical testing. Allele origin: germline.
Comment: The TCTN3 c.752A>G variant is predicted to result in the amino acid substitution p.Lys251Arg. To our knowledge, this variant has not been reported in the literature. This variant is reported in 0.0039% of alleles in individuals of European (Non-Finnish) descent in gnomAD. At this time, the clinical significance of this variant is uncertain due to the absence of conclusive functional and genetic evidence.

NM_015631.6(TCTN3):c.752A>G (p.Lys251Arg)

Gene: TCTN3 (tectonic family member 3; minus strand). Cytogenetic location: 10q24.1.
Variant type: single nucleotide variant.
Coding change: c.752A>G on transcript NM_015631.6 (MANE Select); coding-DNA position 752, A replaced by G.
Protein change: p.Lys251Arg; replaces lysine 251 with arginine.
Molecular consequence: missense variant.
Genome position (GRCh38, 1-based): chr10:95,687,144, T>C on the plus strand (A>G on the coding strand, the complement: TCTN3 is on the minus strand). VCF-style: chr10-95687144-T-C. GRCh37 (hg19) VCF-style: chr10-97446901-T-C.
Other names: c.515A>G, p.Lys172Arg (NM_001143973.2); c.752A>G, p.Lys251Arg (NM_001410982.1); short protein forms K172R, K251R.
Identifiers: ClinVar variation 4989287 (VCV004989287.1).